The following is an entry in ClinVar:

ClinVar aggregate classification (germline): not provided (0 of 4 stars; one submission).

Conditions:
Normal pregnancy. Identifiers: MedGen C0232989.

Submission:

Institute of Molecular and Cell Biology, University of Tartu
No classification provided. Condition: Normal pregnancy. Review status: no classification provided. Collection method: case-control. Allele origin: unknown. Affected: yes. Study: Kasak2014.
Comment: The study aimed to determine the contribution of copy number variants in the genetic etiology of normal and complicated pregnancies. The samples represented (i) maternal blood DNA drawn from healthy pregnant women during 1st or 2nd trimester and (ii) maternal and paternal blood DNA drawn at term pregnancy cases representing normal and complicated gestations (severe preeclampsia, PE; gestational diabetes, GD; small-for-gestational age newborn, SGA; large-for-gestational age newborn, LGA). We performed CNV calling based on genome-wide genotyping dataset (Illumina HumanOmniExpress-24-v1 BeadChip) by applying three algorithms, QuantiSNP, GADA (Genome Alteration Detection Algorithm) and CNstream in parallel. The acquired CNV calls were merged with HD-CNV (Hotspot Detector for Copy Number Variants) program and only the CNVs predicted by at least two programs, were considered in subsequent analysis.

Literature cited by the submitters: PubMed 25666259.

NC_000004.12:g.121402957_121412610del

Variant type: Deletion.
Genome position: GRCh38: chr4:121,402,957-121,412,610. GRCh37 (hg19): chr4:122,324,112-122,333,765.
Identifiers: ClinVar variation 156932 (VCV000156932.3), ClinGen allele CA212090.